The following is an entry in ClinVar:

NM_000116.5(TAFAZZIN):c.747C>T (p.Leu249=)

Gene: TAFAZZIN (tafazzin, phospholipid-lysophospholipid transacylase; plus strand). Cytogenetic location: Xq28.
Variant type: single nucleotide variant.
Coding change: c.747C>T on transcript NM_000116.5 (MANE Select); coding-DNA position 747, C replaced by T.
Protein change: p.Leu249=; no amino-acid change (leucine 249 retained).
Molecular consequence: synonymous variant. On other transcripts: non-coding transcript variant (1).
Genome position (GRCh38, 1-based): chrX:154,420,705, C>T. VCF-style: chrX-154420705-C-T. GRCh37 (hg19) VCF-style: chrX-153649044-C-T.
Other names: c.759C>T, p.Leu253= (NM_001303465.2); c.657C>T, p.Leu219= (NM_181311.4); c.705C>T, p.Leu235= (NM_181312.4); c.615C>T, p.Leu205= (NM_181313.4).
Identifiers: ClinVar variation 518417 (VCV000518417.23), dbSNP rs376379156, ClinGen allele CA10562429.

ClinVar aggregate classification (germline): Benign/Likely benign. Review status: criteria provided, multiple submitters, no conflicts (2 of 4 stars). 9 submissions from 8 submitters: Benign (1); Likely benign (4). 4 of the submissions do not count toward it. Last evaluated 2026-01-27.

Conditions:
Cardiovascular phenotype. Identifiers: MedGen CN230736.
TAFAZZIN-related disorder. Also called: TAFAZZIN-related condition; TAFAZZIN-Related Disorders.
3-Methylglutaconic aciduria type 2 (BTHS). Also called: Barth syndrome; CARDIOSKELETAL MYOPATHY WITH NEUTROPENIA AND ABNORMAL MITOCHONDRIA. Identifiers: Orphanet 111, MedGen C0574083, MONDO:0010543, OMIM 302060.

Allele frequency attached by ClinVar (database versions not stated): TOPMed 0.00010; ESP Exome Variant Server 0.00019; 1000 Genomes Project 30x 0.00021; 1000 Genomes Project 0.00026.
gnomAD v4.1: 118 of 1,209,245 alleles (0.0098%); highest among the groups gnomAD compares: Non-Finnish European, 0.013%; no homozygotes.

Submissions (9):

Labcorp Genetics (formerly Invitae), Labcorp
Classification: Likely benign for 3-Methylglutaconic aciduria type 2. Last evaluated: 2026-01-27. Review status: criteria provided, single submitter. Criteria: Invitae Variant Classification Sherloc (09022015). Collection method: clinical testing. Allele origin: germline.

PreventionGenetics, part of Exact Sciences
Classification: Likely benign for TAFAZZIN-related condition. Last evaluated: 2025-10-13. Review status: criteria provided, single submitter. Criteria: ACMG Guidelines, 2015. Collection method: clinical testing. Allele origin: germline.
Comment: This variant is classified as likely benign based on ACMG/AMP sequence variant interpretation guidelines (Richards et al. 2015 PMID: 25741868, with internal and published modifications).

Blueprint Genetics
Classification: Likely benign. Last evaluated: 2023-09-08. Review status: criteria provided, single submitter. Criteria: ACMG Guidelines, 2015. Collection method: clinical testing. Allele origin: germline.

Ambry Genetics
Classification: Likely benign for Cardiovascular phenotype. Last evaluated: 2022-04-29. Review status: criteria provided, single submitter. Criteria: Ambry Variant Classification Scheme 2023. Collection method: clinical testing. Allele origin: germline.

GeneDx
Classification: Benign. Last evaluated: 2015-03-03. Review status: criteria provided, single submitter. Criteria: GeneDx Variant Classification Process June 2021. Collection method: clinical testing. Allele origin: germline. Affected: yes.

Clinical Genetics, Academic Medical Center
Classification: Benign. Review status: no assertion criteria provided. Collection method: clinical testing. Allele origin: germline. Affected: yes. Study: VKGL Data-share Consensus. Not counted in ClinVar's aggregate classification.

Diagnostic Laboratory, Department of Genetics, University Medical Center Groningen
Classification: Likely benign for 3-Methylglutaconic aciduria type 2. Review status: no assertion criteria provided. Collection method: clinical testing. Allele origin: germline. Affected: yes. Study: VKGL Data-share Consensus. Not counted in ClinVar's aggregate classification.

Diagnostic Laboratory, Department of Genetics, University Medical Center Groningen
Classification: Likely benign. Review status: no assertion criteria provided. Collection method: clinical testing. Allele origin: germline. Affected: yes. Study: VKGL Data-share Consensus. Not counted in ClinVar's aggregate classification.

Joint Genome Diagnostic Labs from Nijmegen and Maastricht, Radboudumc and MUMC+
Classification: Likely benign. Review status: no assertion criteria provided. Collection method: clinical testing. Allele origin: germline. Affected: yes. Study: VKGL Data-share Consensus. Not counted in ClinVar's aggregate classification.